The following is an entry in ClinVar:

ClinVar aggregate classification (germline): Pathogenic (1 of 4 stars; one submission).

Conditions:
Hereditary cancer-predisposing syndrome. Also called: Neoplastic Syndromes, Hereditary; Tumor predisposition; Hereditary Cancer Syndrome; Hereditary neoplastic syndrome. Identifiers: Orphanet 140162, MedGen C0027672, MeSH D009386, MONDO:0015356.

Submission:

Color Diagnostics, LLC DBA Color Health
Classification: Pathogenic for Hereditary cancer-predisposing syndrome. Last evaluated: 2022-03-14. Review status: criteria provided, single submitter. Criteria: ACMG Guidelines, 2015. Collection method: clinical testing. Allele origin: germline.
Comment: This variant changes 1 nucleotide in exon 5 of the PALB2 gene, creating a premature translation stop signal. This variant is expected to result in an absent or non-functional protein product. This variant has not been identified in the general population by the Genome Aggregation Database (gnomAD). Loss of PALB2 function is a known mechanism of disease. Based on the available evidence, this variant is classified as Pathogenic.

NM_024675.4(PALB2):c.2265C>A (p.Cys755Ter)

Gene: PALB2 (partner and localizer of BRCA2; minus strand). Cytogenetic location: 16p12.2.
Variant type: single nucleotide variant.
Coding change: c.2265C>A on transcript NM_024675.4 (MANE Select); coding-DNA position 2265, C replaced by A.
Protein change: p.Cys755Ter; replaces cysteine 755 with a stop codon.
Molecular consequence: nonsense.
Genome position (GRCh38, 1-based): chr16:23,629,889, G>T on the plus strand (C>A on the coding strand, the complement: PALB2 is on the minus strand). VCF-style: chr16-23629889-G-T. GRCh37 (hg19) VCF-style: chr16-23641210-G-T.
Other names: short protein forms C755*.
Identifiers: ClinVar variation 926204 (VCV000926204.4), dbSNP rs1966858159, ClinGen allele CA395125417.